The following is an entry in ClinVar:

NM_020157.4(OTOR):c.92T>C (p.Leu31Pro)

Gene: OTOR (otoraplin; plus strand). Cytogenetic location: 20p12.1.
Variant type: single nucleotide variant.
Coding change: c.92T>C on transcript NM_020157.4 (MANE Select); coding-DNA position 92, T replaced by C.
Protein change: p.Leu31Pro; replaces leucine 31 with proline.
Molecular consequence: missense variant.
Genome position (GRCh38, 1-based): chr20:16,748,493, T>C. VCF-style: chr20-16748493-T-C. GRCh37 (hg19) VCF-style: chr20-16729138-T-C.
Other names: short protein forms L31P.
Identifiers: ClinVar variation 3060137 (VCV003060137.2), dbSNP rs6135876, ClinGen allele CA9771263.

ClinVar aggregate classification (germline): Benign (0 of 4 stars; one submission).

Conditions:
OTOR-related disorder. Also called: OTOR-related condition.

Allele frequency attached by ClinVar (database versions not stated): ESP Exome Variant Server 0.14209; TOPMed 0.14421; gnomAD 0.15495; 1000 Genomes Project 30x 0.18254; gnomAD exomes 0.18594; 1000 Genomes Project 0.19449; ExAC 0.19654.

Submission:

PreventionGenetics, part of Exact Sciences
Classification: Benign for OTOR-related condition. Last evaluated: 2019-10-17. Review status: no assertion criteria provided. Collection method: clinical testing. Allele origin: germline.
Comment: This variant is classified as benign based on ACMG/AMP sequence variant interpretation guidelines (Richards et al. 2015 PMID: 25741868, with internal and published modifications).